The following is an entry in ClinVar:

NM_005245.4(FAT1):c.9682C>T (p.Pro3228Ser)

Gene: FAT1 (FAT atypical cadherin 1; minus strand). Cytogenetic location: 4q35.2.
Variant type: single nucleotide variant.
Coding change: c.9682C>T on transcript NM_005245.4 (MANE Select); coding-DNA position 9682, C replaced by T.
Protein change: p.Pro3228Ser; replaces proline 3228 with serine.
Molecular consequence: missense variant.
Genome position (GRCh38, 1-based): chr4:186,611,557, G>A on the plus strand (C>T on the coding strand, the complement: FAT1 is on the minus strand). VCF-style: chr4-186611557-G-A. GRCh37 (hg19) VCF-style: chr4-187532711-G-A.
Other names: short protein forms P3228S.
Identifiers: ClinVar variation 2634423 (VCV002634423.1), dbSNP rs768440012, ClinGen allele CA3165581.

ClinVar aggregate classification (germline): Uncertain significance (1 of 4 stars; one submission).

Conditions:
FAT1-related disorder. Also called: FAT1-related condition.

Allele frequency attached by ClinVar (database versions not stated): gnomAD exomes below 0.00001; TOPMed below 0.00001; ExAC 0.00001.
gnomAD v4.1: 6 of 1,613,910 alleles (0.00037%); highest among the groups gnomAD compares: Middle Eastern, 0.066%; 1 homozygote.

Submission:

PreventionGenetics, part of Exact Sciences
Classification: Uncertain significance for FAT1-related condition. Last evaluated: 2023-09-20. Review status: criteria provided, single submitter. Criteria: ACMG Guidelines, 2015. Collection method: clinical testing. Allele origin: germline.
Comment: The FAT1 c.9682C>T variant is predicted to result in the amino acid substitution p.Pro3228Ser. To our knowledge, this variant has not been reported in the literature. This variant is reported in 0.0016% of alleles in individuals of European (Non-Finnish) descent in gnomAD. At this time, the clinical significance of this variant is uncertain due to the absence of conclusive functional and genetic evidence.